The following is an entry in ClinVar:

NM_002210.5(ITGAV):c.803-22TTTG[5]

Gene: ITGAV (integrin subunit alpha V; plus strand). Cytogenetic location: 2q32.1.
Variant type: Microsatellite.
Coding change: c.803-22TTTG[5] on transcript NM_002210.5 (MANE Select); five copies in a row of the 4-base unit TTTG starting at c.803-22.
Molecular consequence: intron variant.
Genome position: GRCh38 VCF-style: chr2-186638254-A-ATTTG. GRCh37 (hg19) VCF-style: chr2-187502981-A-ATTTG.
Other names: c.695-22TTTG[5] (NM_001145000.3); c.665-22TTTG[5] (NM_001144999.3).
Identifiers: ClinVar variation 3047661 (VCV003047661.2), dbSNP rs749663033, ClinGen allele CA2018679.

ClinVar aggregate classification (germline): Likely benign (0 of 4 stars; one submission).

Conditions:
ITGAV-related disorder. Also called: ITGAV-related condition.

Submission:

PreventionGenetics, part of Exact Sciences
Classification: Likely benign for ITGAV-related condition. Last evaluated: 2023-12-27. Review status: no assertion criteria provided. Collection method: clinical testing. Allele origin: germline.
Comment: This variant is classified as likely benign based on ACMG/AMP sequence variant interpretation guidelines (Richards et al. 2015 PMID: 25741868, with internal and published modifications).